The following is an entry in ClinVar:

NM_194454.3(KRIT1):c.1854dup (p.His619fs)

Gene: KRIT1 (KRIT1 ankyrin repeat containing; minus strand). Cytogenetic location: 7q21.2.
Variant type: Duplication.
Coding change: c.1854dup on transcript NM_194454.3 (MANE Select); coding-DNA position 1854, one base duplicated (G; older notation c.1854dupG).
Protein change: p.His619fs; shifts the reading frame from histidine 619.
Molecular consequence: frameshift variant.
Genome position (GRCh38, 1-based): chr7:92,213,366, C duplicated on the plus strand (G on the coding strand, the reverse complement: KRIT1 is on the minus strand). VCF-style (leftmost placement, unchanged base first): chr7-92213365-G-GC. GRCh37 (hg19) VCF-style: chr7-91842679-G-GC.
Other names: c.1710dup, p.His571fs (NM_001013406.2, NM_001350669.1, NM_001350670.1); c.1140dup, p.His381fs (NM_001350671.1); c.1854dup, p.His619fs (NM_001350672.1, NM_001350673.1, NM_001350674.1 and 26 more transcripts); short protein forms H381fs, H571fs, H619fs.
Identifiers: ClinVar variation 930964 (VCV000930964.3), dbSNP rs1793298143, ClinGen allele CA1139660130.

ClinVar aggregate classification (germline): Pathogenic (1 of 4 stars; one submission).

Conditions:
Cerebral cavernous malformation (CCM). Also called: Cavernous Hemangioma of Brain; Cerebral cavernous malformations; CAVERNOUS ANGIOMA, FAMILIAL; CAVERNOUS ANGIOMATOUS MALFORMATIONS; CEREBRAL CAPILLARY MALFORMATIONS; Cerebral cavernous hemangioma (type). Identifiers: Orphanet 221061, MedGen C2919945, MONDO:0000820, OMIM 116860, HP:0033522.

Submission:

Centre for Mendelian Genomics, University Medical Centre Ljubljana
Classification: Pathogenic for Cerebral cavernous malformation. Last evaluated: 2020-03-15. Review status: criteria provided, single submitter. Criteria: ACMG Guidelines, 2015. Collection method: clinical testing. Allele origin: unknown. Affected: yes.
Comment: This variant was classified as: Pathogenic. The following ACMG criteria were applied in classifying this variant: PVS1,PM2,PP4.